The following is an entry in ClinVar:

ClinVar aggregate classification (germline): Uncertain significance. Review status: criteria provided, multiple submitters, no conflicts (2 of 4 stars). 2 submissions from 2 submitters: Uncertain significance (2). Last evaluated 2023-07-17.

Conditions:
Duchenne muscular dystrophy (DMD). Also called: MUSCULAR DYSTROPHY, PSEUDOHYPERTROPHIC PROGRESSIVE, DUCHENNE TYPE; Duchenne Muscular Dystrophy (DMD). Identifiers: Orphanet 98896, MedGen C0013264, MONDO:0010679, OMIM 310200.
Cardiovascular phenotype. Identifiers: MedGen CN230736.

Allele frequency attached by ClinVar (database versions not stated): TOPMed below 0.00001.

Submissions (2):

Labcorp Genetics (formerly Invitae), Labcorp
Classification: Uncertain significance for Duchenne muscular dystrophy. Last evaluated: 2023-07-17. Review status: criteria provided, single submitter. Criteria: Invitae Variant Classification Sherloc (09022015). Collection method: clinical testing. Allele origin: germline.
Comment: This variant has not been reported in the literature in individuals affected with DMD-related conditions. In summary, the available evidence is currently insufficient to determine the role of this variant in disease. Therefore, it has been classified as a Variant of Uncertain Significance. Advanced modeling of protein sequence and biophysical properties (such as structural, functional, and spatial information, amino acid conservation, physicochemical variation, residue mobility, and thermodynamic stability) performed at Invitae indicates that this missense variant is not expected to disrupt DMD protein function. ClinVar contains an entry for this variant (Variation ID: 1780512). This variant is not present in population databases (gnomAD no frequency). This sequence change replaces proline, which is neutral and non-polar, with alanine, which is neutral and non-polar, at codon 3542 of the DMD protein (p.Pro3542Ala).

Ambry Genetics
Classification: Uncertain significance for Cardiovascular phenotype. Last evaluated: 2022-03-28. Review status: criteria provided, single submitter. Criteria: Ambry Variant Classification Scheme 2023. Collection method: clinical testing. Allele origin: germline.
Comment: The p.P3542A variant (also known as c.10624C>G), located in coding exon 75 of the DMD gene, results from a C to G substitution at nucleotide position 10624. The proline at codon 3542 is replaced by alanine, an amino acid with highly similar properties. This amino acid position is highly conserved in available vertebrate species. In addition, this alteration is predicted to be tolerated by in silico analysis. Since supporting evidence is limited at this time, the clinical significance of this alteration remains unclear.

NM_004006.3(DMD):c.10624C>G (p.Pro3542Ala)

Gene: DMD (dystrophin; minus strand). Cytogenetic location: Xp21.2.
Variant type: single nucleotide variant.
Coding change: c.10624C>G on transcript NM_004006.3 (MANE Select); coding-DNA position 10624, C replaced by G.
Protein change: p.Pro3542Ala; replaces proline 3542 with alanine.
Molecular consequence: missense variant.
Genome position (GRCh38, 1-based): chrX:31,147,448, G>C on the plus strand (C>G on the coding strand, the complement: DMD is on the minus strand). VCF-style: chrX-31147448-G-C. GRCh37 (hg19) VCF-style: chrX-31165565-G-C.
Other names: c.10600C>G, p.Pro3534Ala (NM_000109.4); c.10612C>G, p.Pro3538Ala (NM_004009.3); c.10255C>G, p.Pro3419Ala (NM_004010.3); c.6601C>G, p.Pro2201Ala (NM_004011.4); c.6592C>G, p.Pro2198Ala (NM_004012.4); c.3244C>G, p.Pro1082Ala (NM_004013.3, NM_004021.3); c.2437C>G, p.Pro813Ala (NM_004014.3); c.1420C>G, p.Pro474Ala (NM_004015.3, NM_004016.3); and 3 more; short protein forms P3534A, P1082A, P2198A, P3542A, P461A, P474A, P813A, P972A.
Identifiers: ClinVar variation 1780512 (VCV001780512.5), dbSNP rs2036849972, ClinGen allele CA412649414.